The following is an entry in ClinVar:

NM_006796.3(AFG3L2):c.58C>T (p.Gln20Ter)

Gene: AFG3L2 (AFG3 like matrix AAA peptidase subunit 2; minus strand). Cytogenetic location: 18p11.21.
Variant type: single nucleotide variant.
Coding change: c.58C>T on transcript NM_006796.3 (MANE Select); coding-DNA position 58, C replaced by T.
Protein change: p.Gln20Ter; replaces glutamine 20 with a stop codon.
Molecular consequence: nonsense.
Genome position (GRCh38, 1-based): chr18:12,377,025, G>A on the plus strand (C>T on the coding strand, the complement: AFG3L2 is on the minus strand). VCF-style: chr18-12377025-G-A. GRCh37 (hg19) VCF-style: chr18-12377024-G-A.
Other names: short protein forms Q20*.
Identifiers: ClinVar variation 620389 (VCV000620389.1), dbSNP rs1568149481, ClinGen allele CA401955557.

ClinVar aggregate classification (germline): Likely pathogenic (1 of 4 stars; one submission).

Submission:

GeneDx
Classification: Likely pathogenic. Last evaluated: 2018-10-04. Review status: criteria provided, single submitter. Criteria: GeneDx Variant Classification (06012015). Collection method: clinical testing. Allele origin: germline. Affected: yes.
Comment: The Q20X variant in the AFG3L2 gene has not been reported previously as a pathogenic variant nor as a benign variant, to our knowledge. This variant is predicted to cause loss of normal protein function either through protein truncation or nonsense-mediated mRNA decay. The Q20X variant is not observed in large population cohorts (Lek et al., 2016). We interpret Q20X as a likely pathogenic variant,